The following is an entry in ClinVar:

ClinVar aggregate classification (germline): Uncertain significance. Review status: criteria provided, multiple submitters, no conflicts (2 of 4 stars). 3 submissions from 3 submitters: Uncertain significance (2). 1 of the submissions does not count toward it. Last evaluated 2024-02-28.

Conditions:
Inborn genetic diseases. Identifiers: MedGen C0950123, MeSH D030342.
DNAH9-related disorder. Also called: DNAH9-related condition.

Allele frequency attached by ClinVar (database versions not stated): ExAC 0.00005; gnomAD 0.00005; TOPMed 0.00006; ESP Exome Variant Server 0.00015.
gnomAD v4.1: 180 of 1,613,990 alleles (0.011%); highest among the groups gnomAD compares: Non-Finnish European, 0.014%; no homozygotes.

Submissions (3):

Mayo Clinic Laboratories, Mayo Clinic
Classification: Uncertain significance. Last evaluated: 2024-02-28. Review status: criteria provided, single submitter. Criteria: ACMG Guidelines, 2015. Collection method: clinical testing. Allele origin: germline. Observed: 1 variant allele.
Comment: BP4

Ambry Genetics
Classification: Uncertain significance for Inborn genetic diseases. Last evaluated: 2021-07-06. Review status: criteria provided, single submitter. Criteria: Ambry Variant Classification Scheme 2023. Collection method: clinical testing. Allele origin: germline.

PreventionGenetics, part of Exact Sciences
Classification: Uncertain significance for DNAH9-related condition. Last evaluated: 2024-04-02. Review status: no assertion criteria provided. Collection method: clinical testing. Allele origin: germline. Not counted in ClinVar's aggregate classification.
Comment: The DNAH9 c.7297T>G variant is predicted to result in the amino acid substitution p.Ser2433Ala. To our knowledge, this variant has not been reported in the literature. This variant is reported in 0.0093% of alleles in individuals of European (Non-Finnish) descent in gnomAD. At this time, the clinical significance of this variant is uncertain due to the absence of conclusive functional and genetic evidence.

NM_001372.4(DNAH9):c.7297T>G (p.Ser2433Ala)

Gene: DNAH9 (dynein axonemal heavy chain 9; plus strand). Cytogenetic location: 17p12.
Variant type: single nucleotide variant.
Coding change: c.7297T>G on transcript NM_001372.4 (MANE Select); coding-DNA position 7297, T replaced by G.
Protein change: p.Ser2433Ala; replaces serine 2433 with alanine.
Molecular consequence: missense variant.
Genome position (GRCh38, 1-based): chr17:11,768,579, T>G. VCF-style: chr17-11768579-T-G. GRCh37 (hg19) VCF-style: chr17-11671896-T-G.
Other names: p.Ser2433Ala; short protein forms S2433A.
Identifiers: ClinVar variation 2227582 (VCV002227582.4), dbSNP rs369268848, ClinGen allele CA8396568.